The following is an entry in ClinVar:

ClinVar aggregate classification (germline): Conflicting classifications of pathogenicity. Review status: criteria provided, conflicting classifications (1 of 4 stars). 2 submissions from 2 submitters: Uncertain significance (1); Likely benign (1). Last evaluated 2026-04-16.

Conditions:
Cardiovascular phenotype. Identifiers: MedGen CN230736.
Hereditary cancer-predisposing syndrome. Also called: Hereditary neoplastic syndrome; Neoplastic Syndromes, Hereditary; Tumor predisposition; Hereditary Cancer Syndrome. Identifiers: Orphanet 140162, MedGen C0027672, MeSH D009386, MONDO:0015356.
Neurofibromatosis, type 1 (NF1). Also called: NEUROFIBROMATOSIS, TYPE I, SOMATIC; Neurofibromatosis, type I; VON RECKLINGHAUSEN DISEASE; Peripheral type neurofibromatosis. Identifiers: Orphanet 636, MedGen C0027831, MONDO:0018975, OMIM 162200. Disease mechanism: loss of function.

gnomAD v4.1: 1 of 1,604,510 alleles (0.000062%); highest among the groups gnomAD compares: South Asian, 0.0011%; no homozygotes.

Submissions (2):

Ambry Genetics
Classification: Likely benign for Cardiovascular phenotype; Hereditary cancer-predisposing syndrome. Last evaluated: 2026-04-16. Review status: criteria provided, single submitter. Criteria: Ambry Variant Classification Scheme 2023. Collection method: clinical testing. Allele origin: germline.

Labcorp Genetics (formerly Invitae), Labcorp
Classification: Uncertain significance for Neurofibromatosis, type 1. Last evaluated: 2022-02-04. Review status: criteria provided, single submitter. Criteria: Invitae Variant Classification Sherloc (09022015). Collection method: clinical testing. Allele origin: germline.
Comment: This variant has not been reported in the literature in individuals affected with NF1-related conditions. This variant is not present in population databases (gnomAD no frequency). This sequence change replaces serine, which is neutral and polar, with asparagine, which is neutral and polar, at codon 474 of the NF1 protein (p.Ser474Asn). ClinVar contains an entry for this variant (Variation ID: 1053215). In summary, the available evidence is currently insufficient to determine the role of this variant in disease. Therefore, it has been classified as a Variant of Uncertain Significance. Advanced modeling of protein sequence and biophysical properties (such as structural, functional, and spatial information, amino acid conservation, physicochemical variation, residue mobility, and thermodynamic stability) performed at Invitae indicates that this missense variant is not expected to disrupt NF1 protein function.

NM_001042492.3(NF1):c.1421G>A (p.Ser474Asn)

Gene: NF1 (neurofibromin 1; plus strand). Cytogenetic location: 17q11.2.
Variant type: single nucleotide variant.
Coding change: c.1421G>A on transcript NM_001042492.3 (MANE Select); coding-DNA position 1421, G replaced by A.
Protein change: p.Ser474Asn; replaces serine 474 with asparagine.
Molecular consequence: missense variant.
Genome position (GRCh38, 1-based): chr17:31,214,479, G>A. VCF-style: chr17-31214479-G-A. GRCh37 (hg19) VCF-style: chr17-29541497-G-A.
Other names: c.1421G>A, p.Ser474Asn (NM_001128147.3, NM_000267.4); short protein forms S474N.
Identifiers: ClinVar variation 1053215 (VCV001053215.7), dbSNP rs2066785879, ClinGen allele CA399001470.